The following is an entry in ClinVar:

NM_003036.4(SKI):c.1775_1789del (p.Glu592_Val596del)

Gene: SKI (SKI proto-oncogene; plus strand). Cytogenetic location: 1p36.32.
Variant type: Deletion.
Coding change: c.1775_1789del on transcript NM_003036.4 (MANE Select); coding-DNA positions 1775 to 1789, 15 bases deleted (AGTTCCTACGCGTGG).
Protein change: p.Glu592_Val596del.
Molecular consequence: inframe deletion.
Genome position (GRCh38, 1-based): chr1:2,306,027-2,306,041, AGTTCCTACGCGTGG deleted; deleting any 15 consecutive bases within chr1:2,306,024-2,306,041 gives the same sequence; the c. name uses the placement nearest the transcript's 3' end. VCF-style (leftmost placement, unchanged base first): chr1-2306023-CTGGAGTTCCTACGCG-C. GRCh37 (hg19) VCF-style: chr1-2237462-CTGGAGTTCCTACGCG-C.
Identifiers: ClinVar variation 1025918 (VCV001025918.8), dbSNP rs1640564388, ClinGen allele CA1149515783.

ClinVar aggregate classification (germline): Uncertain significance (1 of 4 stars; one submission).

Conditions:
Shprintzen-Goldberg syndrome (SGS). Also called: Marfanoid disorder with craniosynostosis type 1; Marfanoid craniosynostosis syndrome; Shprintzen-Goldberg marfanoid syndrome; SHPRINTZEN-GOLDBERG CRANIOSYNOSTOSIS SYNDROME; CRANIOSYNOSTOSIS WITH ARACHNODACTYLY AND ABDOMINAL HERNIAS. Identifiers: Orphanet 2462, MedGen C1321551, MONDO:0008426, OMIM 182212.

Submission:

Labcorp Genetics (formerly Invitae), Labcorp
Classification: Uncertain significance for Shprintzen-Goldberg syndrome. Last evaluated: 2021-08-14. Review status: criteria provided, single submitter. Criteria: Invitae Variant Classification Sherloc (09022015). Collection method: clinical testing. Allele origin: germline.
Comment: Experimental studies and prediction algorithms are not available or were not evaluated, and the functional significance of this variant is currently unknown. This variant has not been reported in the literature in individuals with SKI-related conditions. This variant is not present in population databases (ExAC no frequency). This variant, c.1775_1789del, results in the deletion of 5 amino acid(s) of the SKI protein (p.Glu592_Val596del), but otherwise preserves the integrity of the reading frame. In summary, the available evidence is currently insufficient to determine the role of this variant in disease. Therefore, it has been classified as a Variant of Uncertain Significance.